The following is an entry in ClinVar:

NM_014588.6(VSX1):c.474C>G (p.Thr158=)

Gene: VSX1 (visual system homeobox 1; minus strand). Cytogenetic location: 20p11.21.
Variant type: single nucleotide variant.
Coding change: c.474C>G on transcript NM_014588.6 (MANE Select); coding-DNA position 474, C replaced by G.
Protein change: p.Thr158=; no amino-acid change (threonine 158 retained).
Molecular consequence: synonymous variant. On other transcripts: non-coding transcript variant (3).
Genome position (GRCh38, 1-based): chr20:25,079,465, G>C on the plus strand (C>G on the coding strand, the complement: VSX1 is on the minus strand). VCF-style: chr20-25079465-G-C. GRCh37 (hg19) VCF-style: chr20-25060101-G-C.
Other names: c.474C>G, p.Thr158= (NM_001256271.2, NM_001256272.2, NM_199425.3).
Identifiers: ClinVar variation 337963 (VCV000337963.17), dbSNP rs199995626, ClinGen allele CA9793622.

ClinVar aggregate classification (germline): Benign/Likely benign. Review status: criteria provided, multiple submitters, no conflicts (2 of 4 stars). 4 submissions from 4 submitters: Benign (1); Likely benign (2). 1 of the submissions does not count toward it. Last evaluated 2025-09-01.

Conditions:
VSX1-related disorder. Also called: VSX1-related condition.
Posterior polymorphous corneal dystrophy. Also called: CORNEAL DYSTROPHY, HEREDITARY POLYMORPHOUS POSTERIOR; Polymorphous corneal dystrophy. Identifiers: Orphanet 98973, MedGen C0339284, MONDO:0020364, HP:0007915.

Allele frequency attached by ClinVar (database versions not stated): ESP Exome Variant Server 0.00008; 1000 Genomes Project 30x 0.00016; 1000 Genomes Project 0.00020; gnomAD 0.00052 and 0.00057; TOPMed 0.00054; ExAC 0.00096.

Submissions (4):

CeGaT Center for Human Genetics Tuebingen
Classification: Likely benign. Last evaluated: 2025-09-01. Review status: criteria provided, single submitter. Criteria: CeGaT Center For Human Genetics Tuebingen Variant Classification Criteria Version 2. Collection method: clinical testing. Allele origin: germline. Affected: yes. Observed: 1 variant allele.
Comment: VSX1: BP4, BP7

Labcorp Genetics (formerly Invitae), Labcorp
Classification: Likely benign. Last evaluated: 2025-09-01. Review status: criteria provided, single submitter. Criteria: Invitae Variant Classification Sherloc (09022015). Collection method: clinical testing. Allele origin: germline.

Illumina Laboratory Services, Illumina
Classification: Benign for Polymorphous corneal dystrophy. Last evaluated: 2018-01-12. Review status: criteria provided, single submitter. Criteria: ICSL Variant Classification Criteria 13 December 2019. Collection method: clinical testing. Allele origin: germline.
Comment: This variant was observed in the ICSL laboratory as part of a predisposition screen in an ostensibly healthy population. It had not been previously curated by ICSL or reported in the Human Gene Mutation Database (HGMD: prior to June 1st, 2018), and was therefore a candidate for classification through an automated scoring system. Utilizing variant allele frequency, disease prevalence and penetrance estimates, and inheritance mode, an automated score was calculated to assess if this variant is too frequent to cause the disease. Based on the score and internal cut-off values, a variant classified as benign is not then subjected to further curation. The score for this variant resulted in a classification of benign for this disease.

PreventionGenetics, part of Exact Sciences
Classification: Likely benign for VSX1-related condition. Last evaluated: 2019-02-28. Review status: no assertion criteria provided. Collection method: clinical testing. Allele origin: germline. Not counted in ClinVar's aggregate classification.
Comment: This variant is classified as likely benign based on ACMG/AMP sequence variant interpretation guidelines (Richards et al. 2015 PMID: 25741868, with internal and published modifications).